The following is an entry in ClinVar:

NM_006904.7(PRKDC):c.2656T>C (p.Trp886Arg)

Gene: PRKDC (protein kinase, DNA-activated, catalytic subunit; minus strand). Cytogenetic location: 8q11.21.
Variant type: single nucleotide variant.
Coding change: c.2656T>C on transcript NM_006904.7 (MANE Select); coding-DNA position 2656, T replaced by C.
Protein change: p.Trp886Arg; replaces tryptophan 886 with arginine.
Molecular consequence: missense variant.
Genome position (GRCh38, 1-based): chr8:47,914,026, A>G on the plus strand (T>C on the coding strand, the complement: PRKDC is on the minus strand). VCF-style: chr8-47914026-A-G. GRCh37 (hg19) VCF-style: chr8-48826586-A-G.
Other names: c.2656T>C, p.Trp886Arg (NM_001081640.2); short protein forms W886R.
Identifiers: ClinVar variation 2497387 (VCV002497387.2), dbSNP rs1340244568, ClinGen allele CA371159492.

ClinVar aggregate classification (germline): Uncertain significance (1 of 4 stars; one submission).

Allele frequency attached by ClinVar (database versions not stated): gnomAD exomes below 0.00001; gnomAD 0.00001.
gnomAD v4.1: 8 of 1,590,622 alleles (0.0005%); highest among the groups gnomAD compares: Non-Finnish European, 0.00034%; no homozygotes.

Submission:

Ambry Genetics
Classification: Uncertain significance. Last evaluated: 2023-01-22. Review status: criteria provided, single submitter. Criteria: Ambry Variant Classification Scheme 2023. Collection method: clinical testing. Allele origin: germline.
Comment: The p.W886R variant (also known as c.2656T>C), located in coding exon 24 of the PRKDC gene, results from a T to C substitution at nucleotide position 2656. The tryptophan at codon 886 is replaced by arginine, an amino acid with dissimilar properties. This amino acid position is conserved. In addition, the in silico prediction for this alteration is inconclusive. Since supporting evidence is limited at this time, the clinical significance of this alteration remains unclear.